The following is an entry in ClinVar:

NM_000834.5(GRIN2B):c.3553G>A (p.Asp1185Asn)

Gene: GRIN2B (glutamate ionotropic receptor NMDA type subunit 2B; minus strand). Cytogenetic location: 12p13.1.
Variant type: single nucleotide variant.
Coding change: c.3553G>A on transcript NM_000834.5 (MANE Select); coding-DNA position 3553, G replaced by A.
Protein change: p.Asp1185Asn; replaces aspartic acid 1185 with asparagine.
Molecular consequence: missense variant.
Genome position (GRCh38, 1-based): chr12:13,563,685, C>T on the plus strand (G>A on the coding strand, the complement: GRIN2B is on the minus strand). VCF-style: chr12-13563685-C-T. GRCh37 (hg19) VCF-style: chr12-13716619-C-T.
Other names: c.3553G>A, p.Asp1185Asn (NM_001413992.1); short protein forms D1185N.
Identifiers: ClinVar variation 3384781 (VCV003384781.1).

ClinVar aggregate classification (germline): Uncertain significance (1 of 4 stars; one submission).

gnomAD v4.1: 2 of 1,613,518 alleles (0.00012%); highest among the groups gnomAD compares: Non-Finnish European, 0.00017%; no homozygotes.

Submission:

Women's Health and Genetics/Laboratory Corporation of America, LabCorp
Classification: Uncertain significance. Last evaluated: 2024-10-10. Review status: criteria provided, single submitter. Criteria: LabCorp Variant Classification Summary - May 2015. Collection method: clinical testing. Allele origin: germline.
Comment: Variant summary: GRIN2B c.3553G>A (p.Asp1185Asn) results in a conservative amino acid change located in the Glutamate [NMDA] receptor, epsilon subunit, C-terminal domain (IPR018884) of the encoded protein sequence. Five of five in-silico tools predict a benign effect of the variant on protein function. The frequency data for this variant in gnomAD is considered unreliable, as metrics indicate poor data quality at this position. To our knowledge, no occurrence of c.3553G>A in individuals affected with Mental Retardation, Autosomal Dominant 6 and no experimental evidence demonstrating its impact on protein function have been reported. No submitters have cited clinical-significance assessments for this variant to ClinVar. Based on the evidence outlined above, the variant was classified as uncertain significance.